The following is an entry in ClinVar:

NM_199242.3(UNC13D):c.1055+3G>A

Gene: UNC13D (unc-13 homolog D; minus strand). Cytogenetic location: 17q25.1.
Variant type: single nucleotide variant.
Coding change: c.1055+3G>A on transcript NM_199242.3 (MANE Select); 3 bases into the intron after coding-DNA position 1055, G replaced by A.
Molecular consequence: intron variant.
Genome position (GRCh38, 1-based): chr17:75,839,836, C>T on the plus strand (G>A on the coding strand, the complement: UNC13D is on the minus strand). VCF-style: chr17-75839836-C-T. GRCh37 (hg19) VCF-style: chr17-73835917-C-T.
Identifiers: ClinVar variation 2010814 (VCV002010814.4), dbSNP rs2545984854, ClinGen allele CA2580095199.

ClinVar aggregate classification (germline): Uncertain significance (1 of 4 stars; one submission).

Conditions:
Familial hemophagocytic lymphohistiocytosis 3 (FHL3). Also called: UNC13D-Related Familial Hemophagocytic Lymphohistiocytosis (UNC13D-fHLH). Identifiers: Orphanet 540, MedGen C1837174, MONDO:0012146, OMIM 608898.

Allele frequency attached by ClinVar (database versions not stated): gnomAD exomes below 0.00001.

Submission:

Labcorp Genetics (formerly Invitae), Labcorp
Classification: Uncertain significance for Familial hemophagocytic lymphohistiocytosis 3. Last evaluated: 2022-06-26. Review status: criteria provided, single submitter. Criteria: Invitae Variant Classification Sherloc (09022015). Collection method: clinical testing. Allele origin: germline.
Comment: In summary, the available evidence is currently insufficient to determine the role of this variant in disease. Therefore, it has been classified as a Variant of Uncertain Significance. Variants that disrupt the consensus splice site are a relatively common cause of aberrant splicing (PMID: 17576681, 9536098). Algorithms developed to predict the effect of sequence changes on RNA splicing suggest that this variant is not likely to affect RNA splicing. This variant has not been reported in the literature in individuals affected with UNC13D-related conditions. This variant is not present in population databases (gnomAD no frequency). This sequence change falls in intron 12 of the UNC13D gene. It does not directly change the encoded amino acid sequence of the UNC13D protein. It affects a nucleotide within the consensus splice site.

Literature cited by the submitters: PubMed 17576681; PubMed 9536098.